The following is an entry in ClinVar:

NM_145290.4(ADGRA3):c.2867C>T (p.Thr956Met)

Gene: ADGRA3 (adhesion G protein-coupled receptor A3; minus strand). Cytogenetic location: 4p15.2.
Variant type: single nucleotide variant.
Coding change: c.2867C>T on transcript NM_145290.4 (MANE Select); coding-DNA position 2867, C replaced by T.
Protein change: p.Thr956Met; replaces threonine 956 with methionine.
Molecular consequence: missense variant.
Genome position (GRCh38, 1-based): chr4:22,388,804, G>A on the plus strand (C>T on the coding strand, the complement: ADGRA3 is on the minus strand). VCF-style: chr4-22388804-G-A. GRCh37 (hg19) VCF-style: chr4-22390427-G-A.
Other names: short protein forms T956M.
Identifiers: ClinVar variation 1428661 (VCV001428661.8), dbSNP rs989956146, ClinGen allele CA93481167.

ClinVar aggregate classification (germline): Uncertain significance (1 of 4 stars; one submission).

Allele frequency attached by ClinVar (database versions not stated): TOPMed 0.00001; gnomAD exomes 0.00002.
gnomAD v4.1: 14 of 1,613,968 alleles (0.00087%); highest among the groups gnomAD compares: Admixed American, 0.005%; no homozygotes.

Submission:

Labcorp Genetics (formerly Invitae), Labcorp
Classification: Uncertain significance. Last evaluated: 2021-05-26. Review status: criteria provided, single submitter. Criteria: Invitae Variant Classification Sherloc (09022015). Collection method: clinical testing. Allele origin: germline.
Comment: In summary, the available evidence is currently insufficient to determine the role of this variant in disease. Therefore, it has been classified as a Variant of Uncertain Significance. Algorithms developed to predict the effect of missense changes on protein structure and function are either unavailable or do not agree on the potential impact of this missense change (SIFT: "Tolerated"; PolyPhen-2: "Possibly Damaging"; Align-GVGD: "Class C0"). This variant has not been reported in the literature in individuals with ADGRA3-related conditions. This variant is not present in population databases (ExAC no frequency). This sequence change replaces threonine with methionine at codon 956 of the ADGRA3 protein (p.Thr956Met). The threonine residue is moderately conserved and there is a moderate physicochemical difference between threonine and methionine.